The following is an entry in ClinVar:

ClinVar aggregate classification (germline): Uncertain significance (1 of 4 stars; one submission).

Conditions:
Autosomal dominant childhood-onset proximal spinal muscular atrophy with contractures (SMALED2A). Also called: SPINAL MUSCULAR ATROPHY, LOWER EXTREMITY-PREDOMINANT, 2A, CHILDHOOD ONSET, AUTOSOMAL DOMINANT; Spinal muscular atrophy, lower extremity-predominant, 2A, autosomal dominant. Identifiers: Orphanet 363447, Orphanet 363454, MedGen C4747715, MONDO:0014121, OMIM 615290.

Allele frequency attached by ClinVar (database versions not stated): gnomAD exomes below 0.00001.

Submission:

Labcorp Genetics (formerly Invitae), Labcorp
Classification: Uncertain significance for Autosomal dominant childhood-onset proximal spinal muscular atrophy with contractures. Last evaluated: 2019-04-15. Review status: criteria provided, single submitter. Criteria: Invitae Variant Classification Sherloc (09022015). Collection method: clinical testing. Allele origin: germline.
Comment: In summary, the available evidence is currently insufficient to determine the role of this variant in disease. Therefore, it has been classified as a Variant of Uncertain Significance. Algorithms developed to predict the effect of missense changes on protein structure and function are either unavailable or do not agree on the potential impact of this missense change (SIFT: "Tolerated"; PolyPhen-2: "Probably Damaging"; Align-GVGD: "Class C15"). This variant is not present in population databases (ExAC no frequency). This sequence change replaces tyrosine with cysteine at codon 628 of the BICD2 protein (p.Tyr628Cys). The tyrosine residue is highly conserved and there is a large physicochemical difference between tyrosine and cysteine. This variant has not been reported in the literature in individuals with BICD2-related conditions.

NM_001003800.2(BICD2):c.1883A>G (p.Tyr628Cys)

Gene: BICD2 (BICD cargo adaptor 2; minus strand). Cytogenetic location: 9q22.31.
Variant type: single nucleotide variant.
Coding change: c.1883A>G on transcript NM_001003800.2 (MANE Select); coding-DNA position 1883, A replaced by G.
Protein change: p.Tyr628Cys; replaces tyrosine 628 with cysteine.
Molecular consequence: missense variant.
Genome position (GRCh38, 1-based): chr9:92,718,762, T>C on the plus strand (A>G on the coding strand, the complement: BICD2 is on the minus strand). VCF-style: chr9-92718762-T-C. GRCh37 (hg19) VCF-style: chr9-95481044-T-C.
Other names: c.1883A>G, p.Tyr628Cys (NM_015250.4); short protein forms Y628C.
Identifiers: ClinVar variation 843846 (VCV000843846.10), dbSNP rs1853383567, ClinGen allele CA374035120.
Genomic context (GRCh38, chr9:92,718,762, plus strand): 5'-GTGCGGTCCACGGCTGCCTGCAGGTGCTTGATCTGGTCACGGATGATAGCGATCAGGTTG[T>C]AGATGTTCATGGGCTCCCGGCGTGGGTCACTCAGGGGTGATGGCAGTGAGGAGCCAGGCG-3'
Protein context (NP_001003800.1, residues 618-638): SDPRREPMNI[Tyr628Cys]NLIAIIRDQI